The following is an entry in ClinVar:

ClinVar aggregate classification (germline): Conflicting classifications of pathogenicity. Review status: criteria provided, conflicting classifications (1 of 4 stars). 6 submissions from 6 submitters: Uncertain significance (1); Benign (1); Likely benign (3). 1 of the submissions does not count toward it. Last evaluated 2026-01-06.

Conditions:
MYLK-related disorder. Also called: MYLK-related condition.
Aortic aneurysm, familial thoracic 7 (AAT7). Also called: AORTIC DISSECTION, FAMILIAL, WITH OR WITHOUT AORTIC ANEURYSM. Identifiers: MedGen C3151077, MONDO:0013418, OMIM 613780.

Allele frequency attached by ClinVar (database versions not stated): ESP Exome Variant Server 0.00024; TOPMed 0.00026; gnomAD exomes 0.00032 and 0.00035; ExAC 0.00035; gnomAD 0.00038 and 0.00040; 1000 Genomes Project 30x 0.00062.

Submissions (6):

Labcorp Genetics (formerly Invitae), Labcorp
Classification: Likely benign for Aortic aneurysm, familial thoracic 7. Last evaluated: 2026-01-06. Review status: criteria provided, single submitter. Criteria: Invitae Variant Classification Sherloc (09022015). Collection method: clinical testing. Allele origin: germline.

GeneDx
Classification: Uncertain significance. Last evaluated: 2024-09-12. Review status: criteria provided, single submitter. Criteria: GeneDx Variant Classification Process June 2021. Collection method: clinical testing. Allele origin: germline. Affected: yes.
Comment: Has not been previously published as pathogenic or benign to our knowledge; In-silico analysis is inconclusive as to whether the variant alters gene splicing. In the absence of RNA/functional studies, the actual effect of this sequence change is unknown.

Blueprint Genetics
Classification: Likely benign. Last evaluated: 2024-09-11. Review status: criteria provided, single submitter. Criteria: ACMG Guidelines, 2015. Collection method: clinical testing. Allele origin: germline.

Women's Health and Genetics/Laboratory Corporation of America, LabCorp
Classification: Benign. Last evaluated: 2021-05-24. Review status: criteria provided, single submitter. Criteria: LabCorp Variant Classification Summary - May 2015. Collection method: clinical testing. Allele origin: germline.
Comment: Variant summary: MYLK c.3653-10_3653-8delTTT alters a non-conserved nucleotide located close to a canonical splice site and therefore could affect mRNA splicing, leading to a significantly altered protein sequence. 4/4 computational tools predict no significant impact on normal splicing. However, these predictions have yet to be confirmed by functional studies. The variant allele was found at a frequency of 0.00032 in 251296 control chromosomes, predominantly at a frequency of 0.00069 within the Latino subpopulation in the gnomAD database. The observed variant frequency within Latino control individuals in the gnomAD database is approximately 13.8- fold the estimated maximal expected allele frequency for a pathogenic variant in MYLK causing Thoracic Aortic Aneurysms And Dissections phenotype (5e-05), strongly suggesting that the variant is a benign polymorphism found primarily in populations of Latino origin. To our knowledge, no occurrence of c.3653-10_3653-8delTTT in individuals affected with Thoracic Aortic Aneurysms And Dissections and no experimental evidence demonstrating its impact on protein function have been reported. Two other clinical diagnostic laboratories have submitted clinical-significance assessments for this variant to ClinVar after 2014 without evidence for independent evaluation. Both laboratories cited the variant as likely benign. Based on the evidence outlined above, the variant was classified as benign.

ARUP Laboratories, Molecular Genetics and Genomics, ARUP Laboratories
Classification: Likely benign. Last evaluated: 2019-11-26. Review status: criteria provided, single submitter. Criteria: ARUP Molecular Germline Variant Investigation Process. Collection method: clinical testing. Allele origin: germline.

PreventionGenetics, part of Exact Sciences
Classification: Likely benign for MYLK-related condition. Last evaluated: 2020-01-07. Review status: no assertion criteria provided. Collection method: clinical testing. Allele origin: germline. Not counted in ClinVar's aggregate classification.
Comment: This variant is classified as likely benign based on ACMG/AMP sequence variant interpretation guidelines (Richards et al. 2015 PMID: 25741868, with internal and published modifications).

NM_053025.4(MYLK):c.3653-10_3653-8del

Gene: MYLK (myosin light chain kinase; minus strand). Cytogenetic location: 3q21.1.
Variant type: Deletion.
Coding change: c.3653-10_3653-8del on transcript NM_053025.4 (MANE Select); 10 bases into the intron before coding-DNA position 3653 through 8 bases into the intron before coding-DNA position 3653, 3 bases deleted (TTT; older notation c.3653-10_3653-8delTTT).
Molecular consequence: intron variant.
Genome position (GRCh38, 1-based): chr3:123,667,195-123,667,197, AAA deleted on the plus strand (TTT on the coding strand, the reverse complement: MYLK is on the minus strand). VCF-style (leftmost placement, unchanged base first): chr3-123667194-CAAA-C. GRCh37 (hg19) VCF-style: chr3-123386041-CAAA-C.
Other names: c.3125-10_3125-8del (NM_001321309.2); c.3446-10_3446-8del (NM_053028.4, NM_053026.4); c.3653-10_3653-8del (NM_053027.4, NM_053025.3).
Identifiers: ClinVar variation 471725 (VCV000471725.32), dbSNP rs576620371, ClinGen allele CA069973.
Genomic context (GRCh38, chr3:123,667,194, plus strand): 5'-TACCTGCCTTCGGAGGTGTCTTGGGGGCAGGTTTCTTTTTCACAGTCGCATCACCTGAAA[CAAA>C]GAAGTTCACAAGTTATTTCCTGTAGTTCTGTTTTTTTCACAAAGCTCCTGATCCTAGGAA-3'